The following is an entry in ClinVar:

NM_005639.3(SYT1):c.130A>G (p.Lys44Glu)

Gene: SYT1 (synaptotagmin 1; plus strand). Cytogenetic location: 12q21.2.
Variant type: single nucleotide variant.
Coding change: c.130A>G on transcript NM_005639.3 (MANE Select); coding-DNA position 130, A replaced by G.
Protein change: p.Lys44Glu; replaces lysine 44 with glutamic acid.
Molecular consequence: missense variant.
Genome position (GRCh38, 1-based): chr12:79,217,649, A>G. VCF-style: chr12-79217649-A-G. GRCh37 (hg19) VCF-style: chr12-79611429-A-G.
Other names: c.130A>G, p.Lys44Glu (NM_001135805.2, NM_001135806.2, NM_001291901.2 and 6 more transcripts); short protein forms K44E.
Identifiers: ClinVar variation 3781281 (VCV003781281.1).

ClinVar aggregate classification (germline): Uncertain significance (1 of 4 stars; one submission).

Submission:

GeneDx
Classification: Uncertain significance. Last evaluated: 2024-10-18. Review status: criteria provided, single submitter. Criteria: GeneDx Variant Classification Process June 2021. Collection method: clinical testing. Allele origin: germline. Affected: yes.
Comment: Not observed at significant frequency in large population cohorts (gnomAD); In silico analysis supports that this missense variant has a deleterious effect on protein structure/function; Has not been previously published as pathogenic or benign to our knowledge